The following is an entry in ClinVar:

NM_001365536.1(SCN9A):c.8T>A (p.Met3Lys)

Gene: SCN9A (sodium voltage-gated channel alpha subunit 9; minus strand). Cytogenetic location: 2q24.3.
Variant type: single nucleotide variant.
Coding change: c.8T>A on transcript NM_001365536.1 (MANE Select); coding-DNA position 8, T replaced by A.
Protein change: p.Met3Lys; replaces methionine 3 with lysine.
Molecular consequence: missense variant.
Genome position (GRCh38, 1-based): chr2:166,311,749, A>T on the plus strand (T>A on the coding strand, the complement: SCN9A is on the minus strand). VCF-style: chr2-166311749-A-T. GRCh37 (hg19) VCF-style: chr2-167168259-A-T.
Other names: c.8T>A, p.Met3Lys (NM_002977.4); short protein forms M3K.
Identifiers: ClinVar variation 854293 (VCV000854293.10), dbSNP rs774249327, ClinGen allele CA1944909.

ClinVar aggregate classification (germline): Uncertain significance (1 of 4 stars; one submission).

Conditions:
Generalized epilepsy with febrile seizures plus, type 7 (GEFSP7). Also called: GEFS+, TYPE 7. Identifiers: Orphanet 36387, MedGen C2751778, MONDO:0013470, OMIM 613863.
Neuropathy, hereditary sensory and autonomic, type 2A (HSAN2A). Also called: MORVAN DISEASE; NEUROPATHY, CONGENITAL SENSORY; NEUROPATHY, HEREDITARY SENSORY RADICULAR, AUTOSOMAL RECESSIVE; NEUROPATHY, HEREDITARY SENSORY, TYPE IIA; NEUROPATHY, PROGRESSIVE SENSORY, OF CHILDREN; WNK1-Related HSAN2 (HSAN2A). Identifiers: Orphanet 970, MedGen C2752089, MONDO:0024309, OMIM 201300.

Allele frequency attached by ClinVar (database versions not stated): gnomAD exomes below 0.00001 and 0.00001; ExAC 0.00001; gnomAD 0.00002; TOPMed 0.00002.
gnomAD v4.1: 4 of 1,601,242 alleles (0.00025%); highest among the groups gnomAD compares: African/African-American, 0.0054%; no homozygotes.

Submission:

Labcorp Genetics (formerly Invitae), Labcorp
Classification: Uncertain significance for Neuropathy, hereditary sensory and autonomic, type 2A; Generalized epilepsy with febrile seizures plus, type 7. Last evaluated: 2023-05-07. Review status: criteria provided, single submitter. Criteria: Invitae Variant Classification Sherloc (09022015). Collection method: clinical testing. Allele origin: germline.
Comment: In summary, the available evidence is currently insufficient to determine the role of this variant in disease. Therefore, it has been classified as a Variant of Uncertain Significance. Advanced modeling of protein sequence and biophysical properties (such as structural, functional, and spatial information, amino acid conservation, physicochemical variation, residue mobility, and thermodynamic stability) has been performed at Invitae for this missense variant, however the output from this modeling did not meet the statistical confidence thresholds required to predict the impact of this variant on SCN9A protein function. ClinVar contains an entry for this variant (Variation ID: 854293). This variant has not been reported in the literature in individuals affected with SCN9A-related conditions. This variant is present in population databases (rs774249327, gnomAD 0.02%). This sequence change replaces methionine, which is neutral and non-polar, with lysine, which is basic and polar, at codon 3 of the SCN9A protein (p.Met3Lys).